The following is an entry in ClinVar:

ClinVar aggregate classification (germline): Uncertain significance (1 of 4 stars; one submission).

Conditions:
Hereditary cancer-predisposing syndrome. Also called: Neoplastic Syndromes, Hereditary; Tumor predisposition; Hereditary Cancer Syndrome; Hereditary neoplastic syndrome. Identifiers: Orphanet 140162, MedGen C0027672, MeSH D009386, MONDO:0015356.

gnomAD v4.1: 1 of 1,614,094 alleles (0.000062%); highest among the groups gnomAD compares: African/African-American, 0.0013%; no homozygotes.

Submission:

Ambry Genetics
Classification: Uncertain significance for Hereditary cancer-predisposing syndrome. Last evaluated: 2025-09-10. Review status: criteria provided, single submitter. Criteria: Ambry Variant Classification Scheme 2023. Collection method: clinical testing. Allele origin: germline.
Comment: The p.D148V variant (also known as c.443A>T), located in coding exon 5 of the BMPR1A gene, results from an A to T substitution at nucleotide position 443. The aspartic acid at codon 148 is replaced by valine, an amino acid with highly dissimilar properties. This amino acid position is conserved. In addition, the in silico prediction for this alteration is inconclusive. Based on the available evidence, the clinical significance of this variant remains unclear.

NM_004329.3(BMPR1A):c.443A>T (p.Asp148Val)

Gene: BMPR1A (bone morphogenetic protein receptor type 1A; plus strand). Cytogenetic location: 10q23.2.
Variant type: single nucleotide variant.
Coding change: c.443A>T on transcript NM_004329.3 (MANE Select); coding-DNA position 443, A replaced by T.
Protein change: p.Asp148Val; replaces aspartic acid 148 with valine.
Molecular consequence: missense variant. On other transcripts: non-coding transcript variant (3), intron variant (1).
Genome position (GRCh38, 1-based): chr10:86,900,039, A>T. VCF-style: chr10-86900039-A-T. GRCh37 (hg19) VCF-style: chr10-88659796-A-T.
Other names: c.443A>T, p.Asp148Val (NM_001406566.1, NM_001406567.1, NM_001406568.1 and 22 more transcripts); c.359A>T, p.Asp120Val (NM_001406585.1, NM_001406586.1, NM_001406587.1 and 2 more transcripts); c.333+7810A>T (NM_001406589.1); short protein forms D120V, D148V.
Identifiers: ClinVar variation 4214384 (VCV004214384.1).